The following is an entry in ClinVar:

ClinVar aggregate classification (germline): Likely benign. Review status: criteria provided, single submitter (1 of 4 stars). 2 submissions from 2 submitters: Likely benign (1). 1 of the submissions does not count toward it. Last evaluated 2025-03-06.

Conditions:
TNS2-related disorder. Also called: TNS2-related condition.

Allele frequency attached by ClinVar (database versions not stated): ExAC 0.00002; gnomAD 0.00023; TOPMed 0.00023.
gnomAD v4.1: 65 of 1,596,134 alleles (0.0041%); highest among the groups gnomAD compares: Admixed American, 0.096%; no homozygotes.

Submissions (2):

Labcorp Genetics (formerly Invitae), Labcorp
Classification: Likely benign. Last evaluated: 2025-03-06. Review status: criteria provided, single submitter. Criteria: Invitae Variant Classification Sherloc (09022015). Collection method: clinical testing. Allele origin: germline.

PreventionGenetics, part of Exact Sciences
Classification: Likely benign for TNS2-related condition. Last evaluated: 2019-07-08. Review status: no assertion criteria provided. Collection method: clinical testing. Allele origin: germline. Not counted in ClinVar's aggregate classification.
Comment: This variant is classified as likely benign based on ACMG/AMP sequence variant interpretation guidelines (Richards et al. 2015 PMID: 25741868, with internal and published modifications).

NM_170754.4(TNS2):c.1554G>A (p.Thr518=)

Gene: TNS2 (tensin 2; plus strand). Cytogenetic location: 12q13.13.
Variant type: single nucleotide variant.
Coding change: c.1554G>A on transcript NM_170754.4 (MANE Select); coding-DNA position 1554, G replaced by A.
Protein change: p.Thr518=; no amino-acid change (threonine 518 retained).
Molecular consequence: synonymous variant.
Genome position (GRCh38, 1-based): chr12:53,059,195, G>A. VCF-style: chr12-53059195-G-A. GRCh37 (hg19) VCF-style: chr12-53452979-G-A.
Other names: c.1554G>A, p.Thr518= (NM_001416202.1); c.1512G>A, p.Thr504= (NM_001416203.1); c.1581G>A, p.Thr527= (NM_001416204.1); c.1485G>A, p.Thr495= (NM_015319.3); c.1182G>A, p.Thr394= (NM_198316.2); c.1584G>A (NM_015319.2).
Identifiers: ClinVar variation 2076227 (VCV002076227.6), dbSNP rs757004733, ClinGen allele CA6592397.